The following is an entry in ClinVar:

NM_033026.6(PCLO):c.825A>C (p.Gln275His)

Gene: PCLO (piccolo presynaptic cytomatrix protein; minus strand). Cytogenetic location: 7q21.11.
Variant type: single nucleotide variant.
Coding change: c.825A>C on transcript NM_033026.6 (MANE Select); coding-DNA position 825, A replaced by C.
Protein change: p.Gln275His; replaces glutamine 275 with histidine.
Molecular consequence: missense variant.
Genome position (GRCh38, 1-based): chr7:83,155,816, T>G on the plus strand (A>C on the coding strand, the complement: PCLO is on the minus strand). VCF-style: chr7-83155816-T-G. GRCh37 (hg19) VCF-style: chr7-82785132-T-G.
Other names: c.825A>C, p.Gln275His (NM_014510.3); short protein forms Q275H.
Identifiers: ClinVar variation 1402916 (VCV001402916.8), dbSNP rs61742779, ClinGen allele CA367919165.

ClinVar aggregate classification (germline): Uncertain significance (1 of 4 stars; one submission).

Submission:

Labcorp Genetics (formerly Invitae), Labcorp
Classification: Uncertain significance. Last evaluated: 2021-06-24. Review status: criteria provided, single submitter. Criteria: Invitae Variant Classification Sherloc (09022015). Collection method: clinical testing. Allele origin: germline.
Comment: Algorithms developed to predict the effect of missense changes on protein structure and function are either unavailable or do not agree on the potential impact of this missense change (SIFT: "Deleterious"; PolyPhen-2: "Not Available"; Align-GVGD: "Class C0"). In summary, the available evidence is currently insufficient to determine the role of this variant in disease. Therefore, it has been classified as a Variant of Uncertain Significance. This variant has not been reported in the literature in individuals with PCLO-related conditions. This variant is not present in population databases (ExAC no frequency). This sequence change replaces glutamine with histidine at codon 275 of the PCLO protein (p.Gln275His). The glutamine residue is moderately conserved and there is a small physicochemical difference between glutamine and histidine.